The following is an entry in ClinVar:

ClinVar aggregate classification (germline): Uncertain significance (1 of 4 stars; one submission).

Conditions:
Familial thoracic aortic aneurysm and aortic dissection (TAAD). Also called: Thoracic aortic aneurysms and dissections. Identifiers: Orphanet 91387, MedGen C4707243, MONDO:0019625.

Submission:

Labcorp Genetics (formerly Invitae), Labcorp
Classification: Uncertain significance for Familial thoracic aortic aneurysm and aortic dissection. Last evaluated: 2022-03-11. Review status: criteria provided, single submitter. Criteria: Invitae Variant Classification Sherloc (09022015). Collection method: clinical testing. Allele origin: germline.
Comment: In summary, the available evidence is currently insufficient to determine the role of this variant in disease. Therefore, it has been classified as a Variant of Uncertain Significance. Advanced modeling of protein sequence and biophysical properties (such as structural, functional, and spatial information, amino acid conservation, physicochemical variation, residue mobility, and thermodynamic stability) performed at Invitae indicates that this missense variant is not expected to disrupt SMAD3 protein function. This variant has not been reported in the literature in individuals affected with SMAD3-related conditions. This variant is not present in population databases (gnomAD no frequency). This sequence change replaces proline, which is neutral and non-polar, with serine, which is neutral and polar, at codon 151 of the SMAD3 protein (p.Pro151Ser).

NM_005902.4(SMAD3):c.451C>T (p.Pro151Ser)

Gene: SMAD3 (SMAD family member 3; plus strand). Cytogenetic location: 15q22.33.
Variant type: single nucleotide variant.
Coding change: c.451C>T on transcript NM_005902.4 (MANE Select); coding-DNA position 451, C replaced by T.
Protein change: p.Pro151Ser; replaces proline 151 with serine.
Molecular consequence: missense variant.
Genome position (GRCh38, 1-based): chr15:67,165,303, C>T. VCF-style: chr15-67165303-C-T. GRCh37 (hg19) VCF-style: chr15-67457641-C-T.
Other names: c.136C>T, p.Pro46Ser (NM_001145102.2, NM_001407016.1); c.319C>T, p.Pro107Ser (NM_001145103.2); c.451C>T, p.Pro151Ser (NM_001407011.1, NM_001407013.1); c.304C>T, p.Pro102Ser (NM_001407014.1); short protein forms P102S, P107S, P151S, P46S.
Identifiers: ClinVar variation 2413562 (VCV002413562.6), dbSNP rs2140294829, ClinGen allele CA392954333.
Genomic context (GRCh38, chr15:67,165,303, plus strand): 5'-CCCCGGACAGTTCTACCTCCTGTGTTGGTGCCACGCCACACAGAGATCCCGGCCGAGTTC[C>T]CCCCACTGGACGACTACAGCCATTCCATCCCCGAAAACACTAACTTCCCCGCAGGCATCG-3'
Protein context (NP_005893.1, residues 141-161): PRHTEIPAEF[Pro151Ser]PLDDYSHSIP